The following is an entry in ClinVar:

NM_001256545.2(MEGF10):c.413C>A (p.Ala138Asp)

Gene: MEGF10 (multiple EGF like domains 10; plus strand). Cytogenetic location: 5q23.2.
Variant type: single nucleotide variant.
Coding change: c.413C>A on transcript NM_001256545.2 (MANE Select); coding-DNA position 413, C replaced by A.
Protein change: p.Ala138Asp; replaces alanine 138 with aspartic acid.
Molecular consequence: missense variant.
Genome position (GRCh38, 1-based): chr5:127,396,532, C>A. VCF-style: chr5-127396532-C-A. GRCh37 (hg19) VCF-style: chr5-126732224-C-A.
Other names: c.413C>A, p.Ala138Asp (NM_001308119.2, NM_001308121.2, NM_032446.3); short protein forms A138D.
Identifiers: ClinVar variation 4774002 (VCV004774002.1).

ClinVar aggregate classification (germline): Uncertain significance (1 of 4 stars; one submission).

Conditions:
MEGF10-related myopathy (CMYO10A). Also called: Congenital myopathy 10A, severe variant. Identifiers: Orphanet 439212, MedGen C3280679, MONDO:0013731, OMIM 614399.

Submission:

Labcorp Genetics (formerly Invitae), Labcorp
Classification: Uncertain significance for MEGF10-related myopathy. Last evaluated: 2026-01-04. Review status: criteria provided, single submitter. Criteria: Invitae Variant Classification Sherloc (09022015). Collection method: clinical testing. Allele origin: germline.
Comment: This sequence change replaces alanine, which is neutral and non-polar, with aspartic acid, which is acidic and polar, at codon 138 of the MEGF10 protein (p.Ala138Asp). This variant is not present in population databases (gnomAD no frequency). This variant has not been reported in the literature in individuals affected with MEGF10-related conditions. An algorithm developed to predict the effect of missense changes on protein structure and function (PolyPhen-2) suggests that this variant is likely to be disruptive. In summary, the available evidence is currently insufficient to determine the role of this variant in disease. Therefore, it has been classified as a Variant of Uncertain Significance.